The following is an entry in ClinVar:

NM_198449.3(EMB):c.7G>A (p.Ala3Thr)

Genes: EMB (embigin; minus strand), LOC129993874 (ATAC-STARR-seq lymphoblastoid silent region 15999; plus strand). Cytogenetic location: 5q11.1.
Variant type: single nucleotide variant.
Coding change: c.7G>A on transcript NM_198449.3 (MANE Select); coding-DNA position 7, G replaced by A.
Protein change: p.Ala3Thr; replaces alanine 3 with threonine.
Molecular consequence: missense variant.
Genome position (GRCh38, 1-based): chr5:50,441,145, C>T on the plus strand (G>A on the coding strand, the complement: EMB is on the minus strand). VCF-style: chr5-50441145-C-T. GRCh37 (hg19) VCF-style: chr5-49736979-C-T.
Other names: short protein forms A3T.
Identifiers: ClinVar variation 4870382 (VCV004870382.1).

ClinVar aggregate classification (germline): Uncertain significance (1 of 4 stars; one submission).

Submission:

Ambry Genetics
Classification: Uncertain significance. Last evaluated: 2026-03-31. Review status: criteria provided, single submitter. Criteria: Ambry Variant Classification Scheme 2023. Collection method: clinical testing. Allele origin: germline.
Comment: The c.7G>A (p.A3T) alteration is located in exon 1 (coding exon 1) of the EMB gene. This alteration results from a G to A substitution at nucleotide position 7, causing the alanine (A) at amino acid position 3 to be replaced by a threonine (T). Based on data from gnomAD, the A allele has an overall frequency of 0.001% (1/135770) total alleles studied. The highest observed frequency was 0.002% (1/54706) of European (non-Finnish) alleles. Based on insufficient or conflicting evidence, the clinical significance of this alteration remains unclear.